The following is an entry in ClinVar:

NM_005751.5(AKAP9):c.126G>A (p.Thr42=)

Gene: AKAP9 (A-kinase anchoring protein 9; plus strand). Cytogenetic location: 7q21.2.
Variant type: single nucleotide variant.
Coding change: c.126G>A on transcript NM_005751.5 (MANE Select); coding-DNA position 126, G replaced by A.
Protein change: p.Thr42=; no amino-acid change (threonine 42 retained).
Molecular consequence: synonymous variant.
Genome position (GRCh38, 1-based): chr7:91,973,788, G>A. VCF-style: chr7-91973788-G-A. GRCh37 (hg19) VCF-style: chr7-91603102-G-A.
Other names: c.126G>A, p.Thr42= (NM_147185.3).
Identifiers: ClinVar variation 518785 (VCV000518785.42), dbSNP rs186969744, ClinGen allele CA4335736.
Genomic context (GRCh38, chr7:91,973,788, plus strand): 5'-AAGAAAAGCTCAGTCGGATGGGCAGAGTCCTTCCAAGAAGCAGAAAAAAAAGAGAAAAAC[G>A]TCAAGCAGTAAACATGATGTGTCAGCACACCATGATTTGAATATTGATCAATCACAGTGT-3'
Protein context (NP_005742.4, residues 32-52): PSKKQKKKRK[Thr42=]SSSKHDVSAH

ClinVar aggregate classification (germline): Likely benign. Review status: criteria provided, multiple submitters, no conflicts (2 of 4 stars). 5 submissions from 5 submitters: Likely benign (5). Last evaluated 2026-01-10.

Conditions:
Cardiovascular phenotype. Identifiers: MedGen CN230736.
Long QT syndrome (LQTS). Identifiers: MedGen C0023976, MeSH D008133, MONDO:0002442. Disease mechanism: loss of function. Inheritance: Various modes of inheritance.

Allele frequency attached by ClinVar (database versions not stated): ExAC 0.00002; gnomAD exomes 0.00002 and 0.00004; TOPMed 0.00006; gnomAD 0.00010 and 0.00011; 1000 Genomes Project 30x 0.00016; 1000 Genomes Project 0.00020.
gnomAD v4.1: 76 of 1,614,006 alleles (0.0047%); highest among the groups gnomAD compares: East Asian, 0.018%; 1 homozygote.

Submissions (5):

Labcorp Genetics (formerly Invitae), Labcorp
Classification: Likely benign for Long QT syndrome. Last evaluated: 2026-01-10. Review status: criteria provided, single submitter. Criteria: Invitae Variant Classification Sherloc (09022015). Collection method: clinical testing. Allele origin: germline.

Blueprint Genetics
Classification: Likely benign. Last evaluated: 2024-09-23. Review status: criteria provided, single submitter. Criteria: ACMG Guidelines, 2015. Collection method: clinical testing. Allele origin: germline.

CeGaT Center for Human Genetics Tuebingen
Classification: Likely benign. Last evaluated: 2023-03-01. Review status: criteria provided, single submitter. Criteria: CeGaT Center For Human Genetics Tuebingen Variant Classification Criteria Version 2. Collection method: clinical testing. Allele origin: germline. Affected: yes. Observed: 1 variant allele.
Comment: AKAP9: BP4, BP7

GeneDx
Classification: Likely benign. Last evaluated: 2019-03-28. Review status: criteria provided, single submitter. Criteria: GeneDx Variant Classification Process June 2021. Collection method: clinical testing. Allele origin: germline. Affected: yes.

Ambry Genetics
Classification: Likely benign for Cardiovascular phenotype. Last evaluated: 2016-06-24. Review status: criteria provided, single submitter. Criteria: Ambry Variant Classification Scheme 2023. Collection method: clinical testing. Allele origin: germline.